The following is an entry in ClinVar:

ClinVar aggregate classification (germline): Uncertain significance (1 of 4 stars; one submission).

Conditions:
Familial cancer of breast. Also called: hereditary breast carcinoma; Hereditary breast cancer; BREAST CANCER, FAMILIAL. Identifiers: Orphanet 227535, MedGen C0346153, MONDO:0016419, OMIM 114480. Disease mechanism: loss of function.

Submission:

Labcorp Genetics (formerly Invitae), Labcorp
Classification: Uncertain significance for Familial cancer of breast. Last evaluated: 2024-02-11. Review status: criteria provided, single submitter. Criteria: Invitae Variant Classification Sherloc (09022015). Collection method: clinical testing. Allele origin: germline.
Comment: This sequence change replaces aspartic acid, which is acidic and polar, with histidine, which is basic and polar, at codon 122 of the PALB2 protein (p.Asp122His). This variant is not present in population databases (gnomAD no frequency). This variant has not been reported in the literature in individuals affected with PALB2-related conditions. An algorithm developed to predict the effect of missense changes on protein structure and function (PolyPhen-2) suggests that this variant is likely to be disruptive. In summary, the available evidence is currently insufficient to determine the role of this variant in disease. Therefore, it has been classified as a Variant of Uncertain Significance.

NM_024675.4(PALB2):c.364G>C (p.Asp122His)

Gene: PALB2 (partner and localizer of BRCA2; minus strand). Cytogenetic location: 16p12.2.
Variant type: single nucleotide variant.
Coding change: c.364G>C on transcript NM_024675.4 (MANE Select); coding-DNA position 364, G replaced by C.
Protein change: p.Asp122His; replaces aspartic acid 122 with histidine.
Molecular consequence: missense variant. On other transcripts: 5 prime UTR variant (8), intron variant (3).
Genome position (GRCh38, 1-based): chr16:23,636,182, C>G on the plus strand (G>C on the coding strand, the complement: PALB2 is on the minus strand). VCF-style: chr16-23636182-C-G. GRCh37 (hg19) VCF-style: chr16-23647503-C-G.
Other names: c.304G>C, p.Asp102His (NM_001407296.1); c.364G>C, p.Asp122His (NM_001407297.1, NM_001407298.1, NM_001407299.1 and 3 more transcripts); c.-522G>C (NM_001407304.1, NM_001407305.1, NM_001407306.1 and 5 more transcripts); c.48+4928G>C (NM_001407314.1); c.-105+4928G>C (NM_001407313.1, NM_001407312.1); short protein forms D122H, D102H.
Identifiers: ClinVar variation 3640120 (VCV003640120.2).